The following is an entry in ClinVar:

NM_001194998.2(CEP152):c.1923del (p.Glu642fs)

Gene: CEP152 (centrosomal protein 152; minus strand). Cytogenetic location: 15q21.1.
Variant type: Deletion.
Coding change: c.1923del on transcript NM_001194998.2 (MANE Select); coding-DNA position 1923, one base deleted (T; older notation c.1923delT).
Protein change: p.Glu642fs; shifts the reading frame from glutamic acid 642.
Molecular consequence: frameshift variant.
Genome position (GRCh38, 1-based): chr15:48,768,314, A deleted on the plus strand (T on the coding strand, the reverse complement: CEP152 is on the minus strand). VCF-style (leftmost placement, unchanged base first): chr15-48768313-CA-C. GRCh37 (hg19) VCF-style: chr15-49060510-CA-C.
Other names: c.1923del, p.Glu642fs (NM_014985.4); short protein forms E642fs.
Identifiers: ClinVar variation 2908858 (VCV002908858.3), dbSNP rs1895277023, ClinGen allele CA490038906.
Genomic context (GRCh38, chr15:48,768,313, plus strand): 5'-CTTGTACCATTTGTCTCATTTGATTACATAAGTCTTGATTTGTATTTCTCAGTTTTCCTT[CA>C]GTTTCTTTAAGTTCCTAGACACAAAAGAATAAACTTAGTACTTACAGAAAATAAACATCA-3'

ClinVar aggregate classification (germline): Pathogenic (1 of 4 stars; one submission).

Allele frequency attached by ClinVar (database versions not stated): gnomAD exomes below 0.00001; TOPMed below 0.00001.

Submission:

Labcorp Genetics (formerly Invitae), Labcorp
Classification: Pathogenic. Last evaluated: 2023-01-21. Review status: criteria provided, single submitter. Criteria: Invitae Variant Classification Sherloc (09022015). Collection method: clinical testing. Allele origin: germline.
Comment: For these reasons, this variant has been classified as Pathogenic. This variant has not been reported in the literature in individuals affected with CEP152-related conditions. This variant is not present in population databases (gnomAD no frequency). This sequence change creates a premature translational stop signal (p.Glu642Lysfs*4) in the CEP152 gene. It is expected to result in an absent or disrupted protein product. Loss-of-function variants in CEP152 are known to be pathogenic (PMID: 21131973).

Literature cited by the submitters: PubMed 21131973.